The following is an entry in ClinVar:

ClinVar aggregate classification (germline): Benign (1 of 4 stars; one submission).

gnomAD v4.1: 1,228 of 1,606,042 alleles (0.076%); highest among the groups gnomAD compares: Middle Eastern, 0.42%; 2 homozygotes.

Submission:

CeGaT Center for Human Genetics Tuebingen
Classification: Benign. Last evaluated: 2025-07-01. Review status: criteria provided, single submitter. Criteria: CeGaT Center For Human Genetics Tuebingen Variant Classification Criteria Version 2. Collection method: clinical testing. Allele origin: germline. Affected: yes. Observed: 1 variant allele.
Comment: KIF21B: BP4, BS1, BS2

NM_001252102.2(KIF21B):c.3133-7C>T

Gene: KIF21B (kinesin family member 21B; minus strand). Cytogenetic location: 1q32.1.
Variant type: single nucleotide variant.
Coding change: c.3133-7C>T on transcript NM_001252102.2 (MANE Select); 7 bases into the intron before coding-DNA position 3133, C replaced by T.
Molecular consequence: intron variant.
Genome position (GRCh38, 1-based): chr1:200,988,938, G>A on the plus strand (C>T on the coding strand, the complement: KIF21B is on the minus strand). VCF-style: chr1-200988938-G-A. GRCh37 (hg19) VCF-style: chr1-200958066-G-A.
Other names: c.3133-7C>T (NM_001252103.2, NM_017596.4, NM_001252100.2).
Identifiers: ClinVar variation 4084020 (VCV004084020.8).